The following is an entry in ClinVar:

NM_024740.2(ALG9):c.405+8C>A

Gene: ALG9 (ALG9 alpha-1,2-mannosyltransferase; minus strand). Cytogenetic location: 11q23.1.
Variant type: single nucleotide variant.
Coding change: c.405+8C>A on transcript NM_024740.2 (MANE Select); 8 bases into the intron after coding-DNA position 405, C replaced by A.
Molecular consequence: intron variant.
Genome position (GRCh38, 1-based): chr11:111,868,594, G>T on the plus strand (C>A on the coding strand, the complement: ALG9 is on the minus strand). VCF-style: chr11-111868594-G-T. GRCh37 (hg19) VCF-style: chr11-111739317-G-T.
Other names: c.-109+8C>A (NM_001352409.1, NM_001352410.1, NM_001352413.1 and 11 more transcripts); c.405+8C>A (NM_001352418.1, NM_001352417.1, NM_001077690.1); c.-327+8C>A (NM_001352422.2).
Identifiers: ClinVar variation 390415 (VCV000390415.11), dbSNP rs559793984, ClinGen allele CA6274678.

ClinVar aggregate classification (germline): Likely benign. Review status: criteria provided, multiple submitters, no conflicts (2 of 4 stars). 3 submissions from 3 submitters: Likely benign (2). 1 of the submissions does not count toward it. Last evaluated 2025-04-07.

Conditions:
ALG9-related disorder. Also called: ALG9-related condition.
ALG9 congenital disorder of glycosylation (CDG1L). Also called: CDG Il; CONGENITAL DISORDER OF GLYCOSYLATION, TYPE Il; ALG9-CDG. Identifiers: Orphanet 79328, MedGen C2931006, MONDO:0012117, OMIM 608776.

Allele frequency attached by ClinVar (database versions not stated): gnomAD 0.00004 and 0.00005; TOPMed 0.00006; gnomAD exomes 0.00007 and 0.00009; ExAC 0.00010; 1000 Genomes Project 0.00020; 1000 Genomes Project 30x 0.00031.
gnomAD v4.1: 104 of 1,613,718 alleles (0.0064%); highest among the groups gnomAD compares: Admixed American, 0.042%; no homozygotes.

Submissions (3):

Labcorp Genetics (formerly Invitae), Labcorp
Classification: Likely benign for ALG9 congenital disorder of glycosylation. Last evaluated: 2025-04-07. Review status: criteria provided, single submitter. Criteria: Invitae Variant Classification Sherloc (09022015). Collection method: clinical testing. Allele origin: germline.

GeneDx
Classification: Likely benign. Last evaluated: 2016-11-03. Review status: criteria provided, single submitter. Criteria: GeneDx Variant Classification (06012015). Collection method: clinical testing. Allele origin: germline. Affected: yes.
Comment: This variant is considered likely benign or benign based on one or more of the following criteria: it is a conservative change, it occurs at a poorly conserved position in the protein, it is predicted to be benign by multiple in silico algorithms, and/or has population frequency not consistent with disease.

PreventionGenetics, part of Exact Sciences
Classification: Likely benign for ALG9-related condition. Last evaluated: 2019-07-01. Review status: no assertion criteria provided. Collection method: clinical testing. Allele origin: germline. Not counted in ClinVar's aggregate classification.
Comment: This variant is classified as likely benign based on ACMG/AMP sequence variant interpretation guidelines (Richards et al. 2015 PMID: 25741868, with internal and published modifications).